The following is an entry in ClinVar:

NM_001353921.2(ARHGEF9):c.1039TTC[1] (p.Phe348del)

Gene: ARHGEF9 (Cdc42 guanine nucleotide exchange factor 9; minus strand). Cytogenetic location: Xq11.1.
Variant type: Microsatellite.
Coding change: c.1039TTC[1] on transcript NM_001353921.2 (MANE Select); one copy of the 3-base unit TTC starting at c.1039; the reference has two copies in a row; one copy, 3 bases deleted.
Protein change: p.Phe348del; deletes phenylalanine 348.
Molecular consequence: inframe deletion. On other transcripts: intron variant (5).
Genome position (GRCh38, 1-based): chrX:63,665,919-63,665,921, GAA deleted on the plus strand (TTC on the coding strand, the reverse complement: ARHGEF9 is on the minus strand); deleting any 3 consecutive bases within chrX:63,665,919-63,665,926 gives the same sequence; the position shown is the placement nearest the transcript's 3' end. VCF-style (leftmost placement, unchanged base first): chrX-63665918-GGAA-G. GRCh37 (hg19) VCF-style: chrX-62885798-GGAA-G.
Other names: c.859TTC[1], p.Phe288del (NM_001173479.2); c.712TTC[1], p.Phe239del (NM_001173480.2, NM_001369042.1); c.955TTC[1], p.Phe320del (NM_001330495.2, NM_001369037.1, NM_001369038.1 and 6 more transcripts); c.838TTC[1], p.Phe281del (NM_001369039.1, NM_001369040.1, NM_001353924.2 and 1 more transcripts); c.1018TTC[1], p.Phe341del (NM_015185.3, NM_001369030.1, NM_001369031.1 and 1 more transcripts); c.945+8117_945+8119del (NM_001353922.2); c.861+8117_861+8119del (NM_001369041.1, NM_001353927.2); c.510+8117_510+8119del (NM_001369045.1); and 2 more; short protein forms F239del, F281del, F288del, F320del, F341del, F348del, F354del.
Identifiers: ClinVar variation 5037569 (VCV005037569.1).

ClinVar aggregate classification (germline): Uncertain significance (1 of 4 stars; one submission).

Submission:

GeneDx
Classification: Uncertain significance. Last evaluated: 2026-04-24. Review status: criteria provided, single submitter. Criteria: GeneDx Variant Classification Process June 2021. Collection method: clinical testing. Allele origin: germline.
Comment: Not observed at significant frequency in large population cohorts (gnomAD); In-frame deletion of 1 amino acid(s) in a non-repeat region; In silico analysis supports a deleterious effect on protein structure/function; Has not been previously published as pathogenic or benign to our knowledge